The following is an entry in ClinVar:

NM_001372044.2(SHANK3):c.4987G>T (p.Glu1663Ter)

Gene: SHANK3 (SH3 and multiple ankyrin repeat domains 3; plus strand). Cytogenetic location: 22q13.33.
Variant type: single nucleotide variant.
Coding change: c.4987G>T on transcript NM_001372044.2 (MANE Select); coding-DNA position 4987, G replaced by T.
Protein change: p.Glu1663Ter; replaces glutamic acid 1663 with a stop codon.
Molecular consequence: nonsense.
Genome position (GRCh38, 1-based): chr22:50,730,878, G>T. VCF-style: chr22-50730878-G-T. GRCh37 (hg19) VCF-style: chr22-51169306-G-T.
Other names: c.4762G>T, p.Glu1588Ter (NM_033517.1); short protein forms E1588*, E1663*.
Identifiers: ClinVar variation 3024516 (VCV003024516.2), dbSNP rs2518439090, ClinGen allele CA515266732.

ClinVar aggregate classification (germline): Likely pathogenic (1 of 4 stars; one submission).

Conditions:
Phelan-McDermid syndrome. Also called: TELOMERIC 22q13 MONOSOMY SYNDROME; 22q13.3 deletion syndrome; Phelan-McDermid Syndrome-SHANK3 Related. Identifiers: Orphanet 48652, MedGen C1853490, MONDO:0011652, OMIM 606232.

Submission:

Institute of Human Genetics, University of Leipzig Medical Center
Classification: Likely pathogenic for Phelan-McDermid syndrome. Last evaluated: 2024-02-26. Review status: criteria provided, single submitter. Criteria: ACMG Guidelines, 2015. Collection method: clinical testing. Allele origin: paternal. Inheritance: Autosomal dominant inheritance. Affected: yes.
Comment: Criteria applied: PVS1,PM2_SUP